The following is an entry in ClinVar:

NM_000969.5(RPL5):c.[189+267G>C;189+288A>G;189+309A>G;189+364G>A;189+387A>T]

Variant type: Haplotype.
Identifiers: ClinVar variation 869112 (VCV000869112.4).

ClinVar aggregate classification (germline): association (1 of 4 stars; one submission).

Conditions:
Diamond-Blackfan anemia 6 (DBA6). Also called: RPL5-Related Diamond-Blackfan Anemia. Identifiers: Orphanet 124, MedGen C2931850, MONDO:0012937, OMIM 612561.

Submission:

Clinical Laboratory Sciences, Imam Abdulrahman Bin Faisal University
Classification: association for Diamond-Blackfan anemia 6. Last evaluated: 2020-01-10. Review status: criteria provided, single submitter. Criteria: ACMG Guidelines, 2015. Collection method: research. Allele origin: inherited.
Comment: These variants in RPL5 has been reported in African and Estonian families with different clinical conditions. In the present result, the blood samples were collected from Saudi patients who diagnosed with Hepatic vein thrombosis (HVT). No previous study was done in this type of thrombosis.